The following is an entry in ClinVar:

ClinVar aggregate classification (germline): Uncertain significance (1 of 4 stars; one submission).

Allele frequency attached by ClinVar (database versions not stated): TOPMed 0.00001.
gnomAD v4.1: 3 of 1,614,128 alleles (0.00019%); highest among the groups gnomAD compares: Admixed American, 0.0033%; no homozygotes.

Submission:

Labcorp Genetics (formerly Invitae), Labcorp
Classification: Uncertain significance. Last evaluated: 2022-07-06. Review status: criteria provided, single submitter. Criteria: Invitae Variant Classification Sherloc (09022015). Collection method: clinical testing. Allele origin: germline.
Comment: In summary, the available evidence is currently insufficient to determine the role of this variant in disease. Therefore, it has been classified as a Variant of Uncertain Significance. Algorithms developed to predict the effect of missense changes on protein structure and function output the following: SIFT: "Tolerated"; PolyPhen-2: "Benign"; Align-GVGD: "Class C0". The isoleucine amino acid residue is found in multiple mammalian species, which suggests that this missense change does not adversely affect protein function. This variant has not been reported in the literature in individuals affected with RP1-related conditions. This variant is present in population databases (no rsID available, gnomAD 0.006%). This sequence change replaces threonine, which is neutral and polar, with isoleucine, which is neutral and non-polar, at codon 1154 of the RP1 protein (p.Thr1154Ile).

NM_006269.2(RP1):c.3461C>T (p.Thr1154Ile)

Gene: RP1 (RP1 axonemal microtubule associated; plus strand). Cytogenetic location: 8q12.1.
Variant type: single nucleotide variant.
Coding change: c.3461C>T on transcript NM_006269.2 (MANE Select); coding-DNA position 3461, C replaced by T.
Protein change: p.Thr1154Ile; replaces threonine 1154 with isoleucine.
Molecular consequence: missense variant. On other transcripts: intron variant (1).
Genome position (GRCh38, 1-based): chr8:54,627,343, C>T. VCF-style: chr8-54627343-C-T. GRCh37 (hg19) VCF-style: chr8-55539903-C-T.
Other names: c.787+5055C>T (NM_001375654.1); short protein forms T1154I.
Identifiers: ClinVar variation 2146081 (VCV002146081.4), dbSNP rs868591794, ClinGen allele CA177237645.